The following is an entry in ClinVar:

NM_006922.4(SCN3A):c.5888C>T (p.Ser1963Phe)

Gene: SCN3A (sodium voltage-gated channel alpha subunit 3; minus strand). Cytogenetic location: 2q24.3.
Variant type: single nucleotide variant.
Coding change: c.5888C>T on transcript NM_006922.4 (MANE Select); coding-DNA position 5888, C replaced by T.
Protein change: p.Ser1963Phe; replaces serine 1963 with phenylalanine.
Molecular consequence: missense variant.
Genome position (GRCh38, 1-based): chr2:165,090,265, G>A on the plus strand (C>T on the coding strand, the complement: SCN3A is on the minus strand). VCF-style: chr2-165090265-G-A. GRCh37 (hg19) VCF-style: chr2-165946775-G-A.
Other names: c.5741C>T, p.Ser1914Phe (NM_001081676.2, NM_001081677.2); short protein forms S1963F, S1914F.
Identifiers: ClinVar variation 1470293 (VCV001470293.8), dbSNP rs1394287309, ClinGen allele CA349009395.

ClinVar aggregate classification (germline): Uncertain significance (1 of 4 stars; one submission).

Allele frequency attached by ClinVar (database versions not stated): gnomAD exomes below 0.00001; gnomAD 0.00001; TOPMed 0.00001.
gnomAD v4.1: 2 of 1,612,050 alleles (0.00012%); highest among the groups gnomAD compares: African/African-American, 0.0027%; no homozygotes.

Submission:

Labcorp Genetics (formerly Invitae), Labcorp
Classification: Uncertain significance. Last evaluated: 2024-10-25. Review status: criteria provided, single submitter. Criteria: Invitae Variant Classification Sherloc (09022015). Collection method: clinical testing. Allele origin: germline.
Comment: This sequence change replaces serine, which is neutral and polar, with phenylalanine, which is neutral and non-polar, at codon 1963 of the SCN3A protein (p.Ser1963Phe). This variant is present in population databases (no rsID available, gnomAD 0.01%). This variant has not been reported in the literature in individuals affected with SCN3A-related conditions. ClinVar contains an entry for this variant (Variation ID: 1470293). Invitae Evidence Modeling of protein sequence and biophysical properties (such as structural, functional, and spatial information, amino acid conservation, physicochemical variation, residue mobility, and thermodynamic stability) has been performed for this missense variant. However, the output from this modeling did not meet the statistical confidence thresholds required to predict the impact of this variant on SCN3A protein function. In summary, the available evidence is currently insufficient to determine the role of this variant in disease. Therefore, it has been classified as a Variant of Uncertain Significance.